The following is an entry in ClinVar:

NM_001854.4(COL11A1):c.2241+5G>T

Gene: COL11A1 (collagen type XI alpha 1 chain; minus strand). Cytogenetic location: 1p21.1.
Variant type: single nucleotide variant.
Coding change: c.2241+5G>T on transcript NM_001854.4 (MANE Select); 5 bases into the intron after coding-DNA position 2241, G replaced by T.
Molecular consequence: intron variant.
Genome position (GRCh38, 1-based): chr1:102,997,075, C>A on the plus strand (G>T on the coding strand, the complement: COL11A1 is on the minus strand). VCF-style: chr1-102997075-C-A. GRCh37 (hg19) VCF-style: chr1-103462631-C-A.
Other names: c.2124+5G>T (NM_001190709.2); c.2277+5G>T (NM_080629.3); c.1893+5G>T (NM_080630.4); c.2241+5G>T (NM_001854.3).
Identifiers: ClinVar variation 1304338 (VCV001304338.13), dbSNP rs2101800665, ClinGen allele CA2573051325.

ClinVar aggregate classification (germline): Pathogenic/Likely pathogenic. Review status: criteria provided, multiple submitters, no conflicts (2 of 4 stars). 6 submissions from 6 submitters: Pathogenic (2); Likely pathogenic (4). Last evaluated 2026-09-01.

Conditions:
Stickler syndrome type 2 (STL2). Also called: STICKLER SYNDROME, BEADED VITREOUS TYPE; STICKLER SYNDROME, VITREOUS TYPE 2; COL11A1-Related Stickler Syndrome; STICKLER SYNDROME, TYPE II. Identifiers: Orphanet 828, Orphanet 90654, MedGen C1858084, MONDO:0011493, OMIM 604841.
Marshall syndrome (MRSHS). Identifiers: Orphanet 560, MedGen C0265235, MONDO:0007949, OMIM 154780.
Intervertebral disc disorder (IDD). Also called: INTERVERTEBRAL DISC DISEASE; Lumbar disk degenerative disorder. Identifiers: MedGen C0158252, MONDO:0044339, OMIM 603932.
Hearing loss, autosomal dominant 37. Also called: DEAFNESS, AUTOSOMAL DOMINANT 37. Identifiers: MedGen C4760307, MONDO:0032802, OMIM 618533.
Fibrochondrogenesis 1 (FBCG1). Identifiers: Orphanet 2021, MedGen C3278138, MONDO:0009226, OMIM 228520.
COL11A1-related disorder. Also called: COL11A1-related condition; COL11A1-related disorders.

Allele frequency attached by ClinVar (database versions not stated): gnomAD exomes below 0.00001.
gnomAD v4.1: 1 of 1,611,556 alleles (0.000062%); highest among the groups gnomAD compares: East Asian, 0.0022%; no homozygotes.

Submissions (6):

CeGaT Center for Human Genetics Tuebingen
Classification: Likely pathogenic. Last evaluated: 2026-09-01. Review status: criteria provided, single submitter. Criteria: CeGaT Center For Human Genetics Tuebingen Variant Classification Criteria Version 2. Collection method: clinical testing. Allele origin: germline. Affected: yes. Observed: 1 variant allele.
Comment: COL11A1: PVS1:Strong, PM2, PS4:Moderate

PreventionGenetics, part of Exact Sciences
Classification: Likely pathogenic for COL11A1-related condition. Last evaluated: 2026-04-20. Review status: criteria provided, single submitter. Criteria: ACMG Guidelines, 2015. Collection method: clinical testing. Allele origin: germline.
Comment: The COL11A1 c.2241+5G>T variant is predicted to interfere with splicing. This variant has been reported in at least three individuals with Stickler syndrome (Patient 14DG1963, Table S1 & S6, Maddirevula et al. 2018. PubMed ID: 29620724; Patient 7, Khan et al. 2021. PubMed ID: 33951325; Individual 1 and affected son, Micale et al. 2020. PubMed ID: 33348901). Moreover, one of the previously reported individuals now have the variant described as having arisen de novo (Patient 14DG1963, Table S1, AlAbdi et al. 2023. PubMed ID: 37644014). In vitro RNA studies using transfected cell lines found this variant led to exon skipping (Micale et al. 2020. PubMed ID: 33348901), while RNA studies using patient derived cell lines were inconclusive (Table S2, Maddirevula et al. 2020. PubMed ID: 32552793). This variant has not been reported in a large population database (gnomAD), indicating it is rare. This variant is interpreted as likely pathogenic.

Labcorp Genetics (formerly Invitae), Labcorp
Classification: Pathogenic. Last evaluated: 2025-10-15. Review status: criteria provided, single submitter. Criteria: Invitae Variant Classification Sherloc (09022015). Collection method: clinical testing. Allele origin: germline.
Comment: This sequence change falls in intron 26 of the COL11A1 gene. It does not directly change the encoded amino acid sequence of the COL11A1 protein. RNA analysis indicates that this variant induces altered splicing and likely results in a shortened protein product. This variant is not present in population databases (gnomAD no frequency). This variant has been observed in individuals with clinical features of Stickler syndrome (PMID: 29620724, 33348901, 33951325; internal data). ClinVar contains an entry for this variant (Variation ID: 1304338). Variants that disrupt the consensus splice site are a relatively common cause of aberrant splicing (PMID: 17576681, 9536098). Studies have shown that this variant results in skipping of exon 26, but is expected to preserve the integrity of the reading-frame (PMID: 33348901). For these reasons, this variant has been classified as Pathogenic.

GeneDx
Classification: Likely pathogenic. Last evaluated: 2025-09-15. Review status: criteria provided, single submitter. Criteria: GeneDx Variant Classification Process June 2021. Collection method: clinical testing. Allele origin: germline. Affected: yes.
Comment: RNA studies demonstrate a damaging effect with the loss of 15 amino acids from the triple helical domain (PMID: 33348901); Not observed at significant frequency in large population cohorts (gnomAD); In silico analysis supports a deleterious effect on splicing; This variant is associated with the following publications: (PMID: 29620724, 37644014, 37079061, 32552793, 33951325, 33348901)

Variantyx, Inc.
Classification: Likely pathogenic for Stickler syndrome type 2. Last evaluated: 2025-03-28. Review status: criteria provided, single submitter. Criteria: Variantyx Assertion Criteria 2022. Collection method: clinical testing. Allele origin: germline. Inheritance: Autosomal recessive inheritance.
Comment: This is an intronic variant in the COL11A1 gene (OMIM: 120280). Pathogenic variants in this gene have been associated with autosomal dominant Stickler syndrome type II. This variant has been reported in several unrelated affected individuals (PMID: 29620724, 32552793, 33951325, 33348901) (PS4). Functional studies have shown that this variant alters COL11A1 protein function (PMID: 33348901) (PS3_Supporting), and algorithms that predict the potential impact of sequence variants on RNA splicing suggest that this variant may disrupt normal splicing (PP3). This variant has a 0.0022% maximum allele frequency in non-founder control populations (PM2_Supporting). Based on the current evidence, this variant is classified as likely pathogenic for autosomal dominant Stickler syndrome type II.

Fulgent Genetics
Classification: Pathogenic for Marshall syndrome; Fibrochondrogenesis 1; Intervertebral disc disorder; Stickler syndrome type 2; Hearing loss, autosomal dominant 37. Last evaluated: 2024-06-06. Review status: criteria provided, single submitter. Criteria: ACMG Guidelines, 2015. Collection method: clinical testing. Allele origin: germline.

Literature cited by the submitters: PubMed 29620724 (cited by Labcorp Genetics (formerly Invitae), Labcorp and Variantyx, Inc.); PubMed 33348901 (cited by Labcorp Genetics (formerly Invitae), Labcorp and Variantyx, Inc.); PubMed 33951325 (cited by Labcorp Genetics (formerly Invitae), Labcorp and Variantyx, Inc.); PubMed 17576681 (cited by Labcorp Genetics (formerly Invitae), Labcorp); PubMed 9536098 (cited by Labcorp Genetics (formerly Invitae), Labcorp); PubMed 32552793 (cited by Variantyx, Inc.).